The following is an entry in ClinVar:

ClinVar aggregate classification (germline): Uncertain significance (1 of 4 stars; one submission).

Allele frequency attached by ClinVar (database versions not stated): gnomAD exomes below 0.00001.
gnomAD v4.1: 2 of 1,613,958 alleles (0.00012%); highest among the groups gnomAD compares: Non-Finnish European, 0.00017%; no homozygotes.

Submission:

Labcorp Genetics (formerly Invitae), Labcorp
Classification: Uncertain significance. Last evaluated: 2023-01-04. Review status: criteria provided, single submitter. Criteria: Invitae Variant Classification Sherloc (09022015). Collection method: clinical testing. Allele origin: germline.
Comment: In summary, the available evidence is currently insufficient to determine the role of this variant in disease. Therefore, it has been classified as a Variant of Uncertain Significance. Algorithms developed to predict the effect of missense changes on protein structure and function are either unavailable or do not agree on the potential impact of this missense change (SIFT: "Tolerated"; PolyPhen-2: "Possibly Damaging"; Align-GVGD: "Class C0"). This variant has not been reported in the literature in individuals affected with VCAN-related conditions. This variant is not present in population databases (gnomAD no frequency). This sequence change replaces isoleucine, which is neutral and non-polar, with methionine, which is neutral and non-polar, at codon 2120 of the VCAN protein (p.Ile2120Met).

NM_004385.5(VCAN):c.6360T>G (p.Ile2120Met)

Genes: VCAN (versican; plus strand), VCAN-AS1 (VCAN antisense RNA 1; minus strand). Cytogenetic location: 5q14.3.
Variant type: single nucleotide variant.
Coding change: c.6360T>G on transcript NM_004385.5 (MANE Select); coding-DNA position 6360, T replaced by G.
Protein change: p.Ile2120Met; replaces isoleucine 2120 with methionine.
Molecular consequence: missense variant. On other transcripts: intron variant (2).
Genome position (GRCh38, 1-based): chr5:83,539,363, T>G. VCF-style: chr5-83539363-T-G. GRCh37 (hg19) VCF-style: chr5-82835182-T-G.
Other names: c.3399T>G, p.Ile1133Met (NM_001164097.2); c.4004-6174T>G (NM_001164098.2); c.1043-6174T>G (NM_001126336.3); short protein forms I1133M, I2120M.
Identifiers: ClinVar variation 2824333 (VCV002824333.3), dbSNP rs2479113315, ClinGen allele CA360312385.